The following is an entry in ClinVar:

ClinVar aggregate classification (germline): Uncertain significance (1 of 4 stars; one submission).

Allele frequency attached by ClinVar (database versions not stated): gnomAD exomes below 0.00001; TOPMed 0.00001; gnomAD 0.00002.
gnomAD v4.1: 7 of 1,612,558 alleles (0.00043%); highest among the groups gnomAD compares: Non-Finnish European, 0.00059%; no homozygotes.

Submission:

Labcorp Genetics (formerly Invitae), Labcorp
Classification: Uncertain significance. Last evaluated: 2022-04-16. Review status: criteria provided, single submitter. Criteria: Invitae Variant Classification Sherloc (09022015). Collection method: clinical testing. Allele origin: germline.
Comment: This sequence change replaces lysine, which is basic and polar, with arginine, which is basic and polar, at codon 2204 of the CACNA1B protein (p.Lys2204Arg). This variant is not present in population databases (gnomAD no frequency). This variant has not been reported in the literature in individuals affected with CACNA1B-related conditions. Advanced modeling of protein sequence and biophysical properties (such as structural, functional, and spatial information, amino acid conservation, physicochemical variation, residue mobility, and thermodynamic stability) performed at Invitae indicates that this missense variant is not expected to disrupt CACNA1B protein function. In summary, the available evidence is currently insufficient to determine the role of this variant in disease. Therefore, it has been classified as a Variant of Uncertain Significance.

NM_000718.4(CACNA1B):c.6611A>G (p.Lys2204Arg)

Gene: CACNA1B (calcium voltage-gated channel subunit alpha1 B; plus strand). Cytogenetic location: 9q34.3.
Variant type: single nucleotide variant.
Coding change: c.6611A>G on transcript NM_000718.4 (MANE Select); coding-DNA position 6611, A replaced by G.
Protein change: p.Lys2204Arg; replaces lysine 2204 with arginine.
Molecular consequence: missense variant. On other transcripts: intron variant (1).
Genome position (GRCh38, 1-based): chr9:138,121,590, A>G. VCF-style: chr9-138121590-A-G. GRCh37 (hg19) VCF-style: chr9-141016042-A-G.
Other names: c.6490-66A>G (NM_001243812.2); short protein forms K2204R.
Identifiers: ClinVar variation 2104653 (VCV002104653.2), dbSNP rs1293137716, ClinGen allele CA375824094.